The following is an entry in ClinVar:

NM_004999.4(MYO6):c.3034C>G (p.Leu1012Val)

Gene: MYO6 (myosin VI; plus strand). Cytogenetic location: 6q14.1.
Variant type: single nucleotide variant.
Coding change: c.3034C>G on transcript NM_004999.4 (MANE Select); coding-DNA position 3034, C replaced by G.
Protein change: p.Leu1012Val; replaces leucine 1012 with valine.
Molecular consequence: missense variant. On other transcripts: non-coding transcript variant (1).
Genome position (GRCh38, 1-based): chr6:75,892,617, C>G. VCF-style: chr6-75892617-C-G. GRCh37 (hg19) VCF-style: chr6-76602334-C-G.
Other names: c.3034C>G, p.Leu1012Val (NM_001300899.2, NM_001368136.1, NM_001368137.1 and 2 more transcripts); c.3019C>G, p.Leu1007Val (NM_001368138.1); short protein forms L1012V, L1007V.
Identifiers: ClinVar variation 4987380 (VCV004987380.1).

ClinVar aggregate classification (germline): Uncertain significance (1 of 4 stars; one submission).

Conditions:
MYO6-related disorder. Also called: MYO6-related disorders; MYO6-related condition.

gnomAD v4.1: 5 of 1,613,420 alleles (0.00031%); highest among the groups gnomAD compares: African/African-American, 0.0067%; no homozygotes.

Submission:

PreventionGenetics, part of Exact Sciences
Classification: Uncertain significance for MYO6-related condition. Last evaluated: 2025-03-18. Review status: criteria provided, single submitter. Criteria: ACMG Guidelines, 2015. Collection method: clinical testing. Allele origin: germline.
Comment: The MYO6 c.3034C>G variant is predicted to result in the amino acid substitution p.Leu1012Val. To our knowledge, this variant has not been reported in the literature. This variant is reported in 0.012% of alleles in individuals of African descent in gnomAD. At this time, the clinical significance of this variant is uncertain due to the absence of conclusive functional and genetic evidence.